The following is an entry in ClinVar:

ClinVar aggregate classification (germline): Uncertain significance. Review status: criteria provided, multiple submitters, no conflicts (2 of 4 stars). 2 submissions from 2 submitters: Uncertain significance (2). Last evaluated 2025-05-01.

Conditions:
Inborn genetic diseases. Identifiers: MedGen C0950123, MeSH D030342.

Submissions (2):

CeGaT Center for Human Genetics Tuebingen
Classification: Uncertain significance. Last evaluated: 2025-05-01. Review status: criteria provided, single submitter. Criteria: CeGaT Center For Human Genetics Tuebingen Variant Classification Criteria Version 2. Collection method: clinical testing. Allele origin: germline. Affected: yes. Observed: 1 variant allele.
Comment: SH2B3: PM2

Ambry Genetics
Classification: Uncertain significance for Inborn genetic diseases. Last evaluated: 2025-03-10. Review status: criteria provided, single submitter. Criteria: Ambry Variant Classification Scheme 2023. Collection method: clinical testing. Allele origin: germline.
Comment: The p.H137D variant (also known as c.409C>G), located in coding exon 1 of the SH2B3 gene, results from a C to G substitution at nucleotide position 409. The histidine at codon 137 is replaced by aspartic acid, an amino acid with similar properties. This amino acid position is conserved. In addition, this alteration is predicted to be tolerated by in silico analysis. Based on the available evidence, the clinical significance of this variant remains unclear.

NM_005475.3(SH2B3):c.409C>G (p.His137Asp)

Gene: SH2B3 (SH2B adaptor protein 3; plus strand). Cytogenetic location: 12q24.12.
Variant type: single nucleotide variant.
Coding change: c.409C>G on transcript NM_005475.3 (MANE Select); coding-DNA position 409, C replaced by G.
Protein change: p.His137Asp; replaces histidine 137 with aspartic acid.
Molecular consequence: missense variant.
Genome position (GRCh38, 1-based): chr12:111,418,554, C>G. VCF-style: chr12-111418554-C-G. GRCh37 (hg19) VCF-style: chr12-111856358-C-G.
Other names: short protein forms H137D.
Identifiers: ClinVar variation 3795250 (VCV003795250.11).